The following is an entry in ClinVar:

NM_000152.5(GAA):c.1333G>C (p.Ala445Pro)

Gene: GAA (alpha glucosidase; plus strand). Cytogenetic location: 17q25.3.
Variant type: single nucleotide variant.
Coding change: c.1333G>C on transcript NM_000152.5 (MANE Select); coding-DNA position 1333, G replaced by C.
Protein change: p.Ala445Pro; replaces alanine 445 with proline.
Molecular consequence: missense variant.
Genome position (GRCh38, 1-based): chr17:80,109,951, G>C. VCF-style: chr17-80109951-G-C. GRCh37 (hg19) VCF-style: chr17-78083750-G-C.
Other names: c.1333G>C, p.Ala445Pro (NM_001079803.3, NM_001079804.3, NM_001406741.1 and 1 more transcripts); short protein forms A445P.
Identifiers: ClinVar variation 4876433 (VCV004876433.1).

ClinVar aggregate classification (germline): Uncertain significance (1 of 4 stars; one submission).

Conditions:
Glycogen storage disease, type II (IOPD). Also called: Pompe Disease; CARDIOMEGALIA GLYCOGENICA DIFFUSA; GLYCOGENOSIS, GENERALIZED, CARDIAC FORM; GSD II; POMPE DISEASE, INFANTILE-ONSET; GLYCOGEN STORAGE DISEASE II, INFANTILE-ONSET. Identifiers: Orphanet 365, MedGen C0017921, MONDO:0009290, OMIM 232300.

Submission:

Genomenon, Inc
Classification: Uncertain significance for Glycogen storage disease, type II. Last evaluated: 2026-07-01. Review status: criteria provided, single submitter. Criteria: Genomenon Sequence Variant Interpretation Standards - Updated. Collection method: curation. Allele origin: germline. Affected: yes.
Comment: GAA p.Ala445Pro (c.1333G>C) is a missense variant that changes the amino acid at codon 445 from Alanine to Proline. This variant has been observed in at least one proband with a GAA-related disorder (PMID:16917947). At least one functional study has demonstrated a substantial alteration in protein function relative to the wild-type (PMID:28182897;19862843;17915575;22990675). It is absent or not present at a significant frequency in gnomAD. In silico models predict that this variant is possibly or probably damaging. In conclusion, we classify GAA p.Ala445Pro (c.1333G>C) as a variant of uncertain significance.

Literature cited by the submitters: PubMed 16917947; PubMed 28182897; PubMed 19862843; PubMed 17915575; PubMed 22990675.